The following is an entry in ClinVar:

ClinVar aggregate classification (germline): Uncertain significance (1 of 4 stars; one submission).

Conditions:
Hereditary cancer-predisposing syndrome. Also called: Neoplastic Syndromes, Hereditary; Tumor predisposition; Hereditary neoplastic syndrome; Hereditary Cancer Syndrome. Identifiers: Orphanet 140162, MedGen C0027672, MeSH D009386, MONDO:0015356.

Submission:

Ambry Genetics
Classification: Uncertain significance for Hereditary cancer-predisposing syndrome. Last evaluated: 2026-07-06. Review status: criteria provided, single submitter. Criteria: Ambry Variant Classification Scheme 2023. Collection method: clinical testing. Allele origin: germline.
Comment: The p.S509F variant (also known as c.1526C>T), located in coding exon 11 of the NBN gene, results from a C to T substitution at nucleotide position 1526. The serine at codon 509 is replaced by phenylalanine, an amino acid with highly dissimilar properties. This amino acid position is conserved. In addition, this alteration is predicted to be tolerated by in silico analysis. Based on the available evidence, the clinical significance of this variant remains unclear.

NM_002485.5(NBN):c.1526C>T (p.Ser509Phe)

Gene: NBN (nibrin; minus strand). Cytogenetic location: 8q21.3.
Variant type: single nucleotide variant.
Coding change: c.1526C>T on transcript NM_002485.5 (MANE Select); coding-DNA position 1526, C replaced by T.
Protein change: p.Ser509Phe; replaces serine 509 with phenylalanine.
Molecular consequence: missense variant.
Genome position (GRCh38, 1-based): chr8:89,953,563, G>A on the plus strand (C>T on the coding strand, the complement: NBN is on the minus strand). VCF-style: chr8-89953563-G-A. GRCh37 (hg19) VCF-style: chr8-90965791-G-A.
Other names: c.1280C>T, p.Ser427Phe (NM_001024688.3, NM_001440379.1, NM_001440380.1); short protein forms S509F, S427F.
Identifiers: ClinVar variation 5025378 (VCV005025378.1).
Genomic context (GRCh38, chr8:89,953,563, plus strand): 5'-TTTAAATCTGTATCTGTAAATAAGTTATTGTCTGAGTTTGTGTCCACAGGCTCATTCTCA[G>A]ATAGATGCTGCTCCTTATTTTTCCACAATGAGGGTGTAGCAGGTTGTGTTTGTTCTAAAA-3'
Protein context (NP_002476.2, residues 499-519): SLWKNKEQHL[Ser509Phe]ENEPVDTNSD